The following is an entry in ClinVar:

ClinVar aggregate classification (germline): Pathogenic. Review status: criteria provided, multiple submitters, no conflicts (2 of 4 stars). 2 submissions from 2 submitters: Pathogenic (2). Last evaluated 2025-08-29.

Conditions:
Hypophosphatasia. Also called: Phosphoethanol-aminuria. Identifiers: Orphanet 436, MedGen C0020630, MeSH D007014, MONDO:0018570.

Submissions (2):

Genomenon, Inc
Classification: Pathogenic for Hypophosphatasia. Last evaluated: 2025-08-29. Review status: criteria provided, single submitter. Criteria: Genomenon Sequence Variant Interpretation Standards. Collection method: curation. Allele origin: germline. Affected: yes.
Comment: ALPL p.Lys122GlyfsTer3 (c.364_365del) is a frameshift variant that results in the production of a truncated protein which is predicted to undergo nonsense-mediated mRNA decay. This variant has been observed in at least one proband affected with hypophosphatasia (PMID:38884565). It is absent or not present at a significant frequency in gnomAD. In conclusion, we classify ALPL p.Lys122GlyfsTer3 (c.364_365del) as a pathogenic variant.

JKU Lab, Dept of Paediatrics, Johannes Kepler University
Classification: Pathogenic for Hypophosphatasia. Last evaluated: 2024-12-10. Review status: criteria provided, single submitter. Criteria: ACMG Guidelines, 2015. Collection method: curation. Allele origin: germline. Affected: yes. Observed: 1 heterozygote.
Comment: The variant is missing from GnomAD and leads to a frameshift and a premature stop codon. A loss of expression from the affected allele via nonsense mediated mRNA decay is expected. The ACMG criteria applied can be seen in the

Literature cited by the submitters: PubMed 38884565 (cited by Genomenon, Inc and JKU Lab, Dept of Paediatrics, Johannes Kepler University).

NM_000478.6(ALPL):c.364_365del (p.Lys122fs)

Gene: ALPL (alkaline phosphatase, biomineralization associated; plus strand). Cytogenetic location: 1p36.12.
Variant type: Deletion.
Coding change: c.364_365del on transcript NM_000478.6 (MANE Select); coding-DNA positions 364 to 365, 2 bases deleted (AA; older notation c.364_365delAA).
Protein change: p.Lys122fs; shifts the reading frame from lysine 122.
Molecular consequence: frameshift variant.
Genome position (GRCh38, 1-based): chr1:21,563,176-21,563,177, AA deleted. VCF-style (leftmost placement, unchanged base first): chr1-21563175-GAA-G. GRCh37 (hg19) VCF-style: chr1-21889668-GAA-G.
Other names: c.199_200del, p.Lys67fs (NM_001127501.4); c.133_134del, p.Lys45fs (NM_001177520.3); c.364_365del, p.Lys122fs (NM_001369803.2, NM_001369804.2, NM_001369805.2); short protein forms K122fs, K45fs, K67fs.
Identifiers: ClinVar variation 3393048 (VCV003393048.2).
Genomic context (GRCh38, chr1:21,563,175, plus strand): 5'-CAACACCAATGCCCAGGTCCCTGACAGTGCCGGCACCGCCACCGCCTACCTGTGTGGGGT[GAA>G]GGCCAATGAGGGCACCGTGGGGGTAAGCGCAGCCACTGAGCGTTCCCGGTGCAACACCAC-3'